The following is an entry in ClinVar:

NM_006950.3(SYN1):c.769G>T (p.Glu257Ter)

Gene: SYN1 (synapsin I; minus strand). Cytogenetic location: Xp11.23.
Variant type: single nucleotide variant.
Coding change: c.769G>T on transcript NM_006950.3 (MANE Select); coding-DNA position 769, G replaced by T.
Protein change: p.Glu257Ter; replaces glutamic acid 257 with a stop codon.
Molecular consequence: nonsense.
Genome position (GRCh38, 1-based): chrX:47,604,983, C>A on the plus strand (G>T on the coding strand, the complement: SYN1 is on the minus strand). VCF-style: chrX-47604983-C-A. GRCh37 (hg19) VCF-style: chrX-47464382-C-A.
Other names: c.769G>T, p.Glu257Ter (NM_133499.2); short protein forms E257*.
Identifiers: ClinVar variation 3650328 (VCV003650328.2).
Genomic context (GRCh38, chrX:47,604,983, plus strand): 5'-TATTGCAGTAGTTATGACTCTTCCCTCCTGCCCACTCTATTTTCCCCAAACTCACCATTT[C>A]TTTGTGATTGGGGTAGAAGGTCTGATCAATTAGAGGGAATTCTTCTGTCCCCAGTTTCTT-3'

ClinVar aggregate classification (germline): Pathogenic (1 of 4 stars; one submission).

Conditions:
Epilepsy, X-linked 1, with variable learning disabilities and behavior disorders. Also called: X-linked epilepsy-learning disabilities-behavior disorders syndrome. Identifiers: Orphanet 85294, MedGen C5774177, MONDO:0010339, OMIM 300491.

Submission:

Labcorp Genetics (formerly Invitae), Labcorp
Classification: Pathogenic for Epilepsy, X-linked 1, with variable learning disabilities and behavior disorders. Last evaluated: 2024-04-18. Review status: criteria provided, single submitter. Criteria: Invitae Variant Classification Sherloc (09022015). Collection method: clinical testing. Allele origin: germline.
Comment: This sequence change creates a premature translational stop signal (p.Glu257*) in the SYN1 gene. It is expected to result in an absent or disrupted protein product. Loss-of-function variants in SYN1 are known to be pathogenic (PMID: 14985377, 21441247). This variant is not present in population databases (gnomAD no frequency). This variant has not been reported in the literature in individuals affected with SYN1-related conditions. For these reasons, this variant has been classified as Pathogenic.

Literature cited by the submitters: PubMed 14985377; PubMed 21441247.